The following is an entry in ClinVar:

NM_152617.4(RNF168):c.1391C>T (p.Pro464Leu)

Gene: RNF168 (ring finger protein 168; minus strand). Cytogenetic location: 3q29.
Variant type: single nucleotide variant.
Coding change: c.1391C>T on transcript NM_152617.4 (MANE Select); coding-DNA position 1391, C replaced by T.
Protein change: p.Pro464Leu; replaces proline 464 with leucine.
Molecular consequence: missense variant.
Genome position (GRCh38, 1-based): chr3:196,472,144, G>A on the plus strand (C>T on the coding strand, the complement: RNF168 is on the minus strand). VCF-style: chr3-196472144-G-A. GRCh37 (hg19) VCF-style: chr3-196199015-G-A.
Other names: short protein forms P464L.
Identifiers: ClinVar variation 1417374 (VCV001417374.6), dbSNP rs1241041007, ClinGen allele CA355616040.

ClinVar aggregate classification (germline): Uncertain significance (1 of 4 stars; one submission).

Submission:

Labcorp Genetics (formerly Invitae), Labcorp
Classification: Uncertain significance. Last evaluated: 2022-08-23. Review status: criteria provided, single submitter. Criteria: Invitae Variant Classification Sherloc (09022015). Collection method: clinical testing. Allele origin: germline.
Comment: In summary, the available evidence is currently insufficient to determine the role of this variant in disease. Therefore, it has been classified as a Variant of Uncertain Significance. Algorithms developed to predict the effect of missense changes on protein structure and function output the following: SIFT: "Tolerated"; PolyPhen-2: "Benign"; Align-GVGD: "Class C0". The leucine amino acid residue is found in multiple mammalian species, which suggests that this missense change does not adversely affect protein function. ClinVar contains an entry for this variant (Variation ID: 1417374). This variant has not been reported in the literature in individuals affected with RNF168-related conditions. This variant is not present in population databases (gnomAD no frequency). This sequence change replaces proline, which is neutral and non-polar, with leucine, which is neutral and non-polar, at codon 464 of the RNF168 protein (p.Pro464Leu).